The following is an entry in ClinVar:

ClinVar aggregate classification (germline): Uncertain significance (1 of 4 stars; one submission).

Conditions:
Colorectal cancer, hereditary nonpolyposis, type 7. Identifiers: Orphanet 144, MedGen C1858380, MONDO:0013725, OMIM 614385.

Submission:

Labcorp Genetics (formerly Invitae), Labcorp
Classification: Uncertain significance for Colorectal cancer, hereditary nonpolyposis, type 7. Last evaluated: 2022-11-02. Review status: criteria provided, single submitter. Criteria: Invitae Variant Classification Sherloc (09022015). Collection method: clinical testing. Allele origin: germline.
Comment: This sequence change replaces glutamine, which is neutral and polar, with histidine, which is basic and polar, at codon 1445 of the MLH3 protein (p.Gln1445His). In summary, the available evidence is currently insufficient to determine the role of this variant in disease. Therefore, it has been classified as a Variant of Uncertain Significance. Algorithms developed to predict the effect of missense changes on protein structure and function are either unavailable or do not agree on the potential impact of this missense change (SIFT: "Tolerated"; PolyPhen-2: "Possibly Damaging"; Align-GVGD: "Class C0"). This variant has not been reported in the literature in individuals affected with MLH3-related conditions. This variant is not present in population databases (gnomAD no frequency).

NM_001040108.2(MLH3):c.4335A>T (p.Gln1445His)

Gene: MLH3 (mutL homolog 3; minus strand). Cytogenetic location: 14q24.3.
Variant type: single nucleotide variant.
Coding change: c.4335A>T on transcript NM_001040108.2 (MANE Select); coding-DNA position 4335, A replaced by T.
Protein change: p.Gln1445His; replaces glutamine 1445 with histidine.
Molecular consequence: missense variant.
Genome position (GRCh38, 1-based): chr14:75,017,109, T>A on the plus strand (A>T on the coding strand, the complement: MLH3 is on the minus strand). VCF-style: chr14-75017109-T-A. GRCh37 (hg19) VCF-style: chr14-75483812-T-A.
Other names: c.4263A>T, p.Gln1421His (NM_014381.3); short protein forms Q1421H, Q1445H.
Identifiers: ClinVar variation 2811502 (VCV002811502.3), dbSNP rs13712, ClinGen allele CA390417601.
Genomic context (GRCh38, chr14:75,017,109, plus strand): 5'-CCCTTTGTTCCTTTTAGACCAGTGATTCTGTTCTCATGGTGGCTCACAGGGAGGCATGGA[T>A]TGCTGCAGGCTCTGCCTTGTATCACACTCTGCTTTTCCAAAGAGACGCCAGGCCTGGGCC-3'
Protein context (NP_001035197.1, residues 1435-1453): AECDTRQSLQ[Gln1445His]SMPPCEPP